The following is an entry in ClinVar:

NM_003052.5(SLC34A1):c.644G>A (p.Arg215Gln)

Gene: SLC34A1 (solute carrier family 34 member 1; plus strand). Cytogenetic location: 5q35.3.
Variant type: single nucleotide variant.
Coding change: c.644G>A on transcript NM_003052.5 (MANE Select); coding-DNA position 644, G replaced by A.
Protein change: p.Arg215Gln; replaces arginine 215 with glutamine.
Molecular consequence: missense variant.
Genome position (GRCh38, 1-based): chr5:177,387,873, G>A. VCF-style: chr5-177387873-G-A. GRCh37 (hg19) VCF-style: chr5-176814874-G-A.
Other names: c.644G>A, p.Arg215Gln (NM_001167579.2); short protein forms R215Q.
Identifiers: ClinVar variation 906677 (VCV000906677.11), dbSNP rs1163121743, ClinGen allele CA362365127.
Genomic context (GRCh38, chr5:177,387,873, plus strand): 5'-CCTCTGTCACCAACACCATCGTGGCCCTGATGCAGGCGGGGGACAGGACTGACTTCCGGC[G>A]GTGAGGGGGGCTGGGGGTTGGGGGCTCGTGCCTGGGGGAGGACAGCCCCAGATGCCAGGA-3'
Protein context (NP_003043.3, residues 205-225): MQAGDRTDFR[Arg215Gln]AFAGATVHDC

ClinVar aggregate classification (germline): Conflicting classifications of pathogenicity. Review status: criteria provided, conflicting classifications (1 of 4 stars). 6 submissions from 6 submitters: Likely pathogenic (5); Uncertain significance (1). Last evaluated 2025-03-12.

Conditions:
Hypercalcemia, infantile, 2 (HCINF2). Identifiers: Orphanet 300547, MedGen C4310473, MONDO:0014851, OMIM 616963.
Fanconi renotubular syndrome 2 (FRTS2). Identifiers: MedGen C3150652, MONDO:0013247, OMIM 613388.
SLC34A1-related disorder. Also called: SLC34A1-related disorders; SLC34A1-related condition.

Allele frequency attached by ClinVar (database versions not stated): gnomAD exomes 0.00003 and 0.00005; gnomAD 0.00004 and 0.00005.
gnomAD v4.1: 81 of 1,611,850 alleles (0.005%); highest among the groups gnomAD compares: Admixed American, 0.0083%; no homozygotes.

Submissions (6):

PreventionGenetics, part of Exact Sciences
Classification: Likely pathogenic for SLC34A1-related condition. Last evaluated: 2025-03-12. Review status: criteria provided, single submitter. Criteria: ACMG Guidelines, 2015. Collection method: clinical testing. Allele origin: germline.
Comment: The SLC34A1 c.644G>A variant is predicted to result in the amino acid substitution p.Arg215Gln. This variant was reported in the homozygous state in an individual with congenital nephrocalcinosis and in the heterozygous state in two other family members with nephrolithiasis (Dinour et al. 2016. PubMed ID: 27378183). Functional studies indicate this variant results in reduced transport activity (Dinour et al. 2016. PubMed ID: 27378183). Of note, this variant occurs at the last nucleotide of the exon and is predicted by in silico programs to impact the canonical donor site (SpliceAI, Jaganathan et al. 2019. PubMed ID: 30661751); however, cDNA analysis from the homozygous patient did not detect a splicing defect (Dinour et al. 2016. PubMed ID: 27378183). This variant is reported in 0.0083% of alleles in individuals of African descent in gnomAD. This variant is interpreted as likely pathogenic.

Dubai Health Genomic Medicine Center, Dubai Health
Classification: Likely pathogenic for Fanconi renotubular syndrome 2. Last evaluated: 2024-10-04. Review status: criteria provided, single submitter. Criteria: ACMG Guidelines, 2015. Collection method: research. Allele origin: germline. Affected: yes.
Comment: PS3,PM2,PP3,PM5

Blueprint Genetics
Classification: Likely pathogenic for SLC34A1-related disorders. Last evaluated: 2024-06-20. Review status: criteria provided, single submitter. Criteria: ACMG Guidelines, 2015. Collection method: clinical testing. Allele origin: germline. Affected: yes. Observed: 5 variant alleles.

GeneDx
Classification: Likely pathogenic. Last evaluated: 2023-05-26. Review status: criteria provided, single submitter. Criteria: GeneDx Variant Classification Process June 2021. Collection method: clinical testing. Allele origin: germline. Affected: yes.
Comment: Published functional studies demonstrate this variant significantly reduced phosphate uptake and increased intracellular cytoplasmic accumulation of renal sodium phosphate cotransporter, NaPiIIa (Dinour et al., 2016); In silico analysis supports that this missense variant has a deleterious effect on protein structure/function; This variant is associated with the following publications: (PMID: 27378183)

Neuberg Centre For Genomic Medicine, NCGM
Classification: Likely pathogenic for Hypercalcemia, infantile, 2. Last evaluated: 2023-05-20. Review status: criteria provided, single submitter. Criteria: ACMG Guidelines, 2015. Collection method: clinical testing. Allele origin: germline. Inheritance: Autosomal dominant inheritance. Affected: yes.
Comment: The observed missense variant c.644G>A (p.Arg215Gln) in the splice region in SLC34A1 gene has been reported in homozygousstate in an individual affected with infantile hypercalcemia (Dinour et. al. 2016). Experimental evidence shows conflicting evidencefor this variant with a partial retention of the mutant protein, significantly reduced sodium-dependent phosphate uptake butalmost similar electrogenic behavior as compared to the wild-type (Dinour et. al. 2016). The p.Arg215Gln variant is present with anallele frequency of 0.003% in gnomAD database. This variant has been submitted to the ClinVar database as Likely benign /Uncertain Significance. Computational evidence (SIFT - damaging; MutationTaster - disease causing) predict a damaging effecton protein structure and function for this variant. The amino acid change p.Arg215Gln in SLC34A1 is predicted as conserved byGERP++ and PhyloP across 100 vertebrates. The amino acid Arg at position 215 is changed to a Gln changing protein sequence andit might alter its composition and physico-chemical properties. This variant is present in the last position of exon 6 and splice AIpredicts a donor loss of 0.69 for this variant. Another missense variant [c.644G>A (p.Arg215Trp)] on the same position haspreviously been reported in homozygous state in an affected individual (Schlingmann et al. 2016), suggesting that this residuemight be of clinical significance. Additional literature and functional evidence will be required to prove the pathogenicity of thisvariant. . For these reasons, this variant has been classified as Likely Pathogenic. In the absence of another reportable variant inSLC34A1 gene, the molecular diagnosis is not confirmed.

Labcorp Genetics (formerly Invitae), Labcorp
Classification: Uncertain significance. Last evaluated: 2022-08-21. Review status: criteria provided, single submitter. Criteria: Invitae Variant Classification Sherloc (09022015). Collection method: clinical testing. Allele origin: germline.
Comment: This sequence change replaces arginine, which is basic and polar, with glutamine, which is neutral and polar, at codon 215 of the SLC34A1 protein (p.Arg215Gln). This variant also falls at the last nucleotide of exon 6, which is part of the consensus splice site for this exon. This variant is present in population databases (no rsID available, gnomAD 0.009%). This missense change has been observed in individual(s) with infantile hypercalcemia (PMID: 27378183). ClinVar contains an entry for this variant (Variation ID: 906677). Algorithms developed to predict the effect of missense changes on protein structure and function are either unavailable or do not agree on the potential impact of this missense change (SIFT: "Deleterious"; PolyPhen-2: "Probably Damaging"; Align-GVGD: "Class C0"). Experimental studies have shown that this missense change affects SLC34A1 function (PMID: 27378183). Variants that disrupt the consensus splice site are a relatively common cause of aberrant splicing (PMID: 17576681, 9536098). RNA analysis performed to evaluate the impact of this missense change on mRNA splicing indicates it does not significantly alter splicing (PMID: 27378183). In summary, the available evidence is currently insufficient to determine the role of this variant in disease. Therefore, it has been classified as a Variant of Uncertain Significance.

Literature cited by the submitters: PubMed 27378183 (cited by Labcorp Genetics (formerly Invitae), Labcorp); PubMed 17576681 (cited by Labcorp Genetics (formerly Invitae), Labcorp); PubMed 9536098 (cited by Labcorp Genetics (formerly Invitae), Labcorp).